The following is an entry in ClinVar:

NM_033159.4(HYAL1):c.1112G>A (p.Arg371His)

Gene: HYAL1 (hyaluronidase 1; minus strand). Cytogenetic location: 3p21.31.
Variant type: single nucleotide variant.
Coding change: c.1112G>A on transcript NM_033159.4 (MANE Select); coding-DNA position 1112, G replaced by A.
Protein change: p.Arg371His; replaces arginine 371 with histidine.
Molecular consequence: missense variant. On other transcripts: non-coding transcript variant (1).
Genome position (GRCh38, 1-based): chr3:50,300,679, C>T on the plus strand (G>A on the coding strand, the complement: HYAL1 is on the minus strand). VCF-style: chr3-50300679-C-T. GRCh37 (hg19) VCF-style: chr3-50338110-C-T.
Other names: c.1112G>A, p.Arg371His (NM_153281.2); c.1022G>A, p.Arg341His (NM_153282.3); c.566G>A, p.Arg189His (NM_153283.3); c.335G>A, p.Arg112His (NM_153285.3); short protein forms R371H, R341H, R112H, R189H.
Identifiers: ClinVar variation 968114 (VCV000968114.11), dbSNP rs587595632, ClinGen allele CA2415729.

ClinVar aggregate classification (germline): Uncertain significance. Review status: criteria provided, multiple submitters, no conflicts (2 of 4 stars). 3 submissions from 3 submitters: Uncertain significance (2). 1 of the submissions does not count toward it. Last evaluated 2025-11-03.

Conditions:
Deficiency of hyaluronoglucosaminidase (MPS9). Also called: Mucopolysaccharidosis type 9; HYALURONIDASE DEFICIENCY; MPS IX. Identifiers: Orphanet 67041, MedGen C1291490, MONDO:0011093, OMIM 601492.

Allele frequency attached by ClinVar (database versions not stated): gnomAD 0.00001 and 0.00002; TOPMed 0.00003; ExAC 0.00006; gnomAD exomes 0.00007; 1000 Genomes Project 30x 0.00016; 1000 Genomes Project 0.00020.

Submissions (3):

Ambry Genetics
Classification: Uncertain significance. Last evaluated: 2025-11-03. Review status: criteria provided, single submitter. Criteria: Ambry Variant Classification Scheme 2023. Collection method: clinical testing. Allele origin: germline.

Labcorp Genetics (formerly Invitae), Labcorp
Classification: Uncertain significance for Deficiency of hyaluronoglucosaminidase. Last evaluated: 2024-03-04. Review status: criteria provided, single submitter. Criteria: Invitae Variant Classification Sherloc (09022015). Collection method: clinical testing. Allele origin: germline.
Comment: This sequence change replaces arginine, which is basic and polar, with histidine, which is basic and polar, at codon 371 of the HYAL1 protein (p.Arg371His). This variant is present in population databases (rs587595632, gnomAD 0.04%). This variant has not been reported in the literature in individuals affected with HYAL1-related conditions. ClinVar contains an entry for this variant (Variation ID: 968114). An algorithm developed to predict the effect of missense changes on protein structure and function (PolyPhen-2) suggests that this variant is likely to be disruptive. In summary, the available evidence is currently insufficient to determine the role of this variant in disease. Therefore, it has been classified as a Variant of Uncertain Significance.

Natera, Inc.
Classification: Uncertain significance for Mucopolysaccharidosis type IX. Last evaluated: 2020-01-24. Review status: no assertion criteria provided. Collection method: clinical testing. Allele origin: germline. Not counted in ClinVar's aggregate classification.